The following is an entry in ClinVar:

NM_024675.4(PALB2):c.2517_2518del (p.Glu840fs)

Gene: PALB2 (partner and localizer of BRCA2; minus strand). Cytogenetic location: 16p12.2.
Variant type: Deletion.
Coding change: c.2517_2518del on transcript NM_024675.4 (MANE Select); coding-DNA positions 2517 to 2518, 2 bases deleted (TG; older notation c.2517_2518delTG).
Protein change: p.Glu840fs; shifts the reading frame from glutamic acid 840.
Molecular consequence: frameshift variant.
Genome position (GRCh38, 1-based): chr16:23,629,272-23,629,273, CA deleted on the plus strand (TG on the coding strand, the reverse complement: PALB2 is on the minus strand). VCF-style (leftmost placement, unchanged base first): chr16-23629271-TCA-T. GRCh37 (hg19) VCF-style: chr16-23640592-TCA-T.
Other names: short protein forms E840fs.
Identifiers: ClinVar variation 821424 (VCV000821424.6), dbSNP rs1597088245, ClinGen allele CA915949178.

ClinVar aggregate classification (germline): Pathogenic. Review status: criteria provided, multiple submitters, no conflicts (2 of 4 stars). 2 submissions from 2 submitters: Pathogenic (2). Last evaluated 2025-01-21.

Conditions:
Hereditary cancer-predisposing syndrome. Also called: Neoplastic Syndromes, Hereditary; Tumor predisposition; Hereditary Cancer Syndrome; Hereditary neoplastic syndrome. Identifiers: Orphanet 140162, MedGen C0027672, MeSH D009386, MONDO:0015356.

Allele frequency attached by ClinVar (database versions not stated): gnomAD exomes below 0.00001.

Submissions (2):

Color Diagnostics, LLC DBA Color Health
Classification: Pathogenic for Hereditary cancer-predisposing syndrome. Last evaluated: 2025-01-21. Review status: criteria provided, single submitter. Criteria: ACMG Guidelines, 2015. Collection method: clinical testing. Allele origin: germline.
Comment: This variant deletes 2 nucleotides in exon 6 of the PALB2 gene, causing a frameshift and a premature translational stop signal. This variant is expected to result in an absent or non-functional protein product. To our knowledge, this variant has not been reported in individuals affected with PALB2-related disorders in the literature. This variant has not been identified in the general population by the Genome Aggregation Database (gnomAD). Loss of PALB2 function is a known mechanism of disease. Based on the available evidence, this variant is classified as Pathogenic.

Ambry Genetics
Classification: Pathogenic for Hereditary cancer-predisposing syndrome. Last evaluated: 2022-05-27. Review status: criteria provided, single submitter. Criteria: Ambry Variant Classification Scheme 2023. Collection method: clinical testing. Allele origin: germline.
Comment: The c.2517_2518delTG pathogenic mutation, located in coding exon 6 of the PALB2 gene, results from a deletion of two nucleotides at nucleotide positions 2517 to 2518, causing a translational frameshift with a predicted alternate stop codon (p.E840Nfs*8). This variant is considered to be rare based on population cohorts in the Genome Aggregation Database (gnomAD). This alteration is expected to result in loss of function by premature protein truncation or nonsense-mediated mRNA decay. As such, this alteration is interpreted as a disease-causing mutation.